The following is an entry in ClinVar:

ClinVar aggregate classification (germline): Uncertain significance. Review status: criteria provided, multiple submitters, no conflicts (2 of 4 stars). 4 submissions from 4 submitters: Uncertain significance (4). Last evaluated 2026-02-03.

Conditions:
Cardiovascular phenotype. Identifiers: MedGen CN230736.
Dilated cardiomyopathy 1KK (CMD1KK). Identifiers: Orphanet 154, Orphanet 75249, MedGen C3714995, MONDO:0014100, OMIM 615248.
MYPN-related disorder. Also called: MYPN-related condition.

Allele frequency attached by ClinVar (database versions not stated): gnomAD exomes below 0.00001 and 0.00001; ExAC 0.00001; TOPMed 0.00005; ESP Exome Variant Server 0.00008.
gnomAD v4.1: 17 of 1,614,108 alleles (0.0011%); highest among the groups gnomAD compares: African/African-American, 0.013%; no homozygotes.

Submissions (4):

PreventionGenetics, part of Exact Sciences
Classification: Uncertain significance for MYPN-related condition. Last evaluated: 2026-02-03. Review status: criteria provided, single submitter. Criteria: ACMG Guidelines, 2015. Collection method: clinical testing. Allele origin: germline.
Comment: The MYPN c.3734C>T variant is predicted to result in the amino acid substitution p.Thr1245Met. To our knowledge, this variant has not been reported in the literature. This variant is reported in 0.012% of alleles in individuals of African descent in gnomAD. At this time, the clinical significance of this variant is uncertain due to the absence of conclusive functional and genetic evidence.

Ambry Genetics
Classification: Uncertain significance for Cardiovascular phenotype. Last evaluated: 2025-02-03. Review status: criteria provided, single submitter. Criteria: Ambry Variant Classification Scheme 2023. Collection method: clinical testing. Allele origin: germline.

Labcorp Genetics (formerly Invitae), Labcorp
Classification: Uncertain significance for Dilated cardiomyopathy 1KK. Last evaluated: 2022-08-09. Review status: criteria provided, single submitter. Criteria: Invitae Variant Classification Sherloc (09022015). Collection method: clinical testing. Allele origin: germline.
Comment: This sequence change replaces threonine, which is neutral and polar, with methionine, which is neutral and non-polar, at codon 1245 of the MYPN protein (p.Thr1245Met). This variant is present in population databases (rs139138260, gnomAD 0.01%). This variant has not been reported in the literature in individuals affected with MYPN-related conditions. ClinVar contains an entry for this variant (Variation ID: 653609). Algorithms developed to predict the effect of missense changes on protein structure and function are either unavailable or do not agree on the potential impact of this missense change (SIFT: "Deleterious"; PolyPhen-2: "Probably Damaging"; Align-GVGD: "Class C0"). In summary, the available evidence is currently insufficient to determine the role of this variant in disease. Therefore, it has been classified as a Variant of Uncertain Significance.

GeneDx
Classification: Uncertain significance. Last evaluated: 2021-08-03. Review status: criteria provided, single submitter. Criteria: GeneDx Variant Classification Process June 2021. Collection method: clinical testing. Allele origin: germline. Affected: yes.
Comment: Has not been previously published as pathogenic or benign to our knowledge; Not observed at significant frequency in large population cohorts (Lek et al., 2016); In silico analysis, which includes protein predictors and evolutionary conservation, supports a deleterious effect; Reported in ClinVar as a variant of uncertain significance (ClinVar Variant ID# 653609; Landrum et al., 2016); This variant is associated with the following publications: (PMID: 26582918)

NM_032578.4(MYPN):c.3734C>T (p.Thr1245Met)

Gene: MYPN (myopalladin; plus strand). Cytogenetic location: 10q21.3.
Variant type: single nucleotide variant.
Coding change: c.3734C>T on transcript NM_032578.4 (MANE Select); coding-DNA position 3734, C replaced by T.
Protein change: p.Thr1245Met; replaces threonine 1245 with methionine.
Molecular consequence: missense variant. On other transcripts: non-coding transcript variant (2).
Genome position (GRCh38, 1-based): chr10:68,206,844, C>T. VCF-style: chr10-68206844-C-T. GRCh37 (hg19) VCF-style: chr10-69966601-C-T.
Other names: c.3734C>T, p.Thr1245Met (NM_001256267.2); c.2852C>T, p.Thr951Met (NM_001256268.2); short protein forms T1245M, T951M.
Identifiers: ClinVar variation 653609 (VCV000653609.12), dbSNP rs139138260, ClinGen allele CA5523133.
Genomic context (GRCh38, chr10:68,206,844, plus strand): 5'-CAACAGGGTATGCCTGCCTTCTCATTCAGCCAGCCAAGAAATCAGACGCTGGATGGTACA[C>T]GTTGTCAGCCAAGAATGAAGCCGGCATCGTGTCGTGCACTGCCAGGCTGGATATATACGG-3'
Protein context (NP_115967.2, residues 1235-1255): PAKKSDAGWY[Thr1245Met]LSAKNEAGIV